The following is an entry in ClinVar:

ClinVar aggregate classification (germline): Uncertain significance (1 of 4 stars; one submission).

Conditions:
Combined immunodeficiency due to CD3gamma deficiency. Also called: CD3-GAMMA DEFICIENCY; SCID-LIKE IMMUNODEFICIENCY, T CELL-PARTIAL, B CELL-POSITIVE, NK CELL-POSITIVE; Immunodeficiency 17, CD3 gamma deficient; Immunodeficiency 17. Identifiers: Orphanet 169082, MedGen C3810107, MONDO:0014276, OMIM 615607.

Submission:

Labcorp Genetics (formerly Invitae), Labcorp
Classification: Uncertain significance for Combined immunodeficiency due to CD3gamma deficiency. Last evaluated: 2022-12-02. Review status: criteria provided, single submitter. Criteria: Invitae Variant Classification Sherloc (09022015). Collection method: clinical testing. Allele origin: germline.
Comment: In summary, the available evidence is currently insufficient to determine the role of this variant in disease. Therefore, it has been classified as a Variant of Uncertain Significance. Algorithms developed to predict the effect of missense changes on protein structure and function (SIFT, PolyPhen-2, Align-GVGD) all suggest that this variant is likely to be disruptive. This variant has not been reported in the literature in individuals affected with CD3G-related conditions. This variant is not present in population databases (gnomAD no frequency). This sequence change replaces leucine, which is neutral and non-polar, with arginine, which is basic and polar, at codon 129 of the CD3G protein (p.Leu129Arg).

NM_000073.3(CD3G):c.386T>G (p.Leu129Arg)

Genes: CD3G (CD3 gamma subunit of T-cell receptor complex; plus strand), LOC126861358 (BRD4-independent group 4 enhancer GRCh37_chr11:118220212-118221411; plus strand). Cytogenetic location: 11q23.3.
Variant type: single nucleotide variant.
Coding change: c.386T>G on transcript NM_000073.3 (MANE Select); coding-DNA position 386, T replaced by G.
Protein change: p.Leu129Arg; replaces leucine 129 with arginine.
Molecular consequence: missense variant.
Genome position (GRCh38, 1-based): chr11:118,350,630, T>G. VCF-style: chr11-118350630-T-G. GRCh37 (hg19) VCF-style: chr11-118221345-T-G.
Other names: short protein forms L129R.
Identifiers: ClinVar variation 2110132 (VCV002110132.4), dbSNP rs2496901587, ClinGen allele CA382793953.